The following is an entry in ClinVar:

Conditions:
Arteriohepatic dysplasia. Also called: Alagille Syndrome. Identifiers: Orphanet 52, MedGen C0085280, MeSH D016738, MONDO:0007318.

Submission:

Gilbert/Spinner Lab, Children's Hospital of Philadelphia
No classification provided (evidence only). Condition: Alagille syndrome. Review status: no classification provided. Collection method: research. Allele origin: not applicable. Functional consequence: functionally_abnormal.
ClinVar note: "not provided" was previously submitted as the classification for the variant. However, the classification appeared to be based only on an observation of functional data so it was converted to no classification on 2025-07-30.

NM_000214.3(JAG1):c.153C>A (p.Asn51Lys)

Gene: JAG1 (jagged canonical Notch ligand 1; minus strand). Cytogenetic location: 20p12.2.
Variant type: single nucleotide variant.
Coding change: c.153C>A on transcript NM_000214.3 (MANE Select); coding-DNA position 153, C replaced by A.
Protein change: p.Asn51Lys; replaces asparagine 51 with lysine.
Molecular consequence: missense variant.
Genome position (GRCh38, 1-based): chr20:10,672,935, G>T on the plus strand (C>A on the coding strand, the complement: JAG1 is on the minus strand). VCF-style: chr20-10672935-G-T. GRCh37 (hg19) VCF-style: chr20-10653583-G-T.
Other names: short protein forms N51K.
Identifiers: ClinVar variation 3573251 (VCV003573251.2).